The following is an entry in ClinVar:

ClinVar aggregate classification (germline): Uncertain significance. Review status: criteria provided, multiple submitters, no conflicts (2 of 4 stars). 3 submissions from 3 submitters: Uncertain significance (3). Last evaluated 2025-09-30.

Conditions:
Atypical hemolytic-uremic syndrome with I factor anomaly. Also called: HEMOLYTIC UREMIC SYNDROME, ATYPICAL, SUSCEPTIBILITY TO, 3; AHUS, SUSCEPTIBILITY TO, 3. Identifiers: Orphanet 2134, MedGen C2752039, MONDO:0013041, OMIM 612923.

Allele frequency attached by ClinVar (database versions not stated): gnomAD exomes below 0.00001; gnomAD 0.00001 and 0.00002; TOPMed 0.00001.
gnomAD v4.1: 6 of 1,613,978 alleles (0.00037%); highest among the groups gnomAD compares: Middle Eastern, 0.016%; no homozygotes.

Submissions (3):

3billion
Classification: Uncertain significance for Atypical hemolytic-uremic syndrome with I factor anomaly. Last evaluated: 2025-09-30. Review status: criteria provided, single submitter. Criteria: ACMG Guidelines, 2015. Collection method: clinical testing. Allele origin: germline. Affected: yes.
Comment: The variant is observed at an extremely low frequency in the gnomAD v4.1.0 dataset (total allele frequency: <0.001%). Predicted Consequence/Location: Missense variant. The majority of the known disease-causing variants of this gene are variants expected to result in premature termination of the protein. In silico tool predictions suggest damaging effect of the variant on gene or gene product [3Cnet: 0.85 (> 0.75, sensitivity 0.96 and precision 0.92)]. A different missense change at the same codon (p.Pro83Gln) has been reported to be associated with CFI-related disorder (PMID: 26826462). However the evidence of pathogenicity is insufficient at this time. Therefore, this variant is classified as VUS according to the recommendation of ACMG/AMP guideline.

Labcorp Genetics (formerly Invitae), Labcorp
Classification: Uncertain significance. Last evaluated: 2022-08-23. Review status: criteria provided, single submitter. Criteria: Invitae Variant Classification Sherloc (09022015). Collection method: clinical testing. Allele origin: germline.
Comment: ClinVar contains an entry for this variant (Variation ID: 1410791). In summary, the available evidence is currently insufficient to determine the role of this variant in disease. Therefore, it has been classified as a Variant of Uncertain Significance. Advanced modeling of protein sequence and biophysical properties (such as structural, functional, and spatial information, amino acid conservation, physicochemical variation, residue mobility, and thermodynamic stability) performed at Invitae indicates that this missense variant is not expected to disrupt CFI protein function. This variant has not been reported in the literature in individuals affected with CFI-related conditions. This variant is present in population databases (no rsID available, gnomAD 0.007%). This sequence change replaces proline, which is neutral and non-polar, with arginine, which is basic and polar, at codon 83 of the CFI protein (p.Pro83Arg).

Mayo Clinic Laboratories, Mayo Clinic
Classification: Uncertain significance. Last evaluated: 2022-01-27. Review status: criteria provided, single submitter. Criteria: ACMG Guidelines, 2015. Collection method: clinical testing. Allele origin: germline.

Literature cited by the submitters: PubMed 26826462 (cited by 3billion).

NM_000204.5(CFI):c.248C>G (p.Pro83Arg)

Gene: CFI (complement factor I; minus strand). Cytogenetic location: 4q25.
Variant type: single nucleotide variant.
Coding change: c.248C>G on transcript NM_000204.5 (MANE Select); coding-DNA position 248, C replaced by G.
Protein change: p.Pro83Arg; replaces proline 83 with arginine.
Molecular consequence: missense variant. On other transcripts: non-coding transcript variant (3), intron variant (1).
Genome position (GRCh38, 1-based): chr4:109,766,634, G>C on the plus strand (C>G on the coding strand, the complement: CFI is on the minus strand). VCF-style: chr4-109766634-G-C. GRCh37 (hg19) VCF-style: chr4-110687790-G-C.
Other names: p.Pro83Arg; c.248C>G, p.Pro83Arg (NM_001318057.2, NM_001331035.2, NM_001375278.1 and 5 more transcripts); c.-127-4942C>G (NM_001375284.1); short protein forms P83R.
Identifiers: ClinVar variation 1410791 (VCV001410791.11), dbSNP rs1433059338, ClinGen allele CA357865224.
Genomic context (GRCh38, chr4:109,766,634, plus strand): 5'-TTATTTAAAAACTTTGTCCCTGGATGAAGACATTCCAAACTCTTTTGTTGACAGTATGTT[G>C]GGAAGCTTCTCCTGTTAGTTGCACACACTGCAGTGCCATTCTTTGGGCACTGATACGGTA-3'
Protein context (NP_000195.3, residues 73-93): AVCATNRRSF[Pro83Arg]TYCQQKSLEC